The following is an entry in ClinVar:

ClinVar aggregate classification (germline): Likely pathogenic (1 of 4 stars; one submission).

Conditions:
Familial thoracic aortic aneurysm and aortic dissection (TAAD). Also called: Thoracic aortic aneurysms and dissections. Identifiers: Orphanet 91387, MedGen C4707243, MONDO:0019625.

Submission:

Ambry Genetics
Classification: Likely pathogenic for Familial thoracic aortic aneurysm and aortic dissection. Last evaluated: 2025-12-05. Review status: criteria provided, single submitter. Criteria: Ambry Variant Classification Scheme 2023. Collection method: clinical testing. Allele origin: germline.
Comment: The c.1180dupT variant, located in coding exon 9 of the SMAD3 gene, results from a duplication of T at nucleotide position 1180, causing a translational frameshift with a predicted alternate stop codon (p.C394Lfs*4). This alteration occurs at the 3' terminus of the gene, is not expected to trigger nonsense-mediated mRNA decay, and impacts the last 7.5% of the protein. However, premature stop codons are typically deleterious in nature and the impacted region is critical for protein function and a significant portion of the protein is affected (Ambry internal data). This variant was reported in individual(s) with features consistent with SMAD3-related Loeys-Dietz syndrome (Aubart M et al. PLoS One, 2014 May;9:e96387; Ambry internal data). This variant is considered to be rare based on population cohorts in the Genome Aggregation Database (gnomAD). Based on the majority of available evidence to date, this variant is likely to be pathogenic.

Literature cited by the submitters: PubMed 24804794.

NM_005902.4(SMAD3):c.1180dup (p.Cys394fs)

Gene: SMAD3 (SMAD family member 3; plus strand). Cytogenetic location: 15q22.33.
Variant type: Duplication.
Coding change: c.1180dup on transcript NM_005902.4 (MANE Select); coding-DNA position 1180, one base duplicated (T; older notation c.1180dupT).
Protein change: p.Cys394fs; shifts the reading frame from cysteine 394.
Molecular consequence: frameshift variant.
Genome position (GRCh38, 1-based): chr15:67,190,438, T duplicated. VCF-style (leftmost placement, unchanged base first): chr15-67190437-C-CT. GRCh37 (hg19) VCF-style: chr15-67482775-C-CT.
Other names: c.865dup, p.Cys289fs (NM_001145102.2, NM_001407016.1); c.1048dup, p.Cys350fs (NM_001145103.2, NM_001407012.1); c.595dup, p.Cys199fs (NM_001145104.2, NM_001407017.1); c.1291dup, p.Cys431fs (NM_001407011.1); c.1042dup, p.Cys348fs (NM_001407013.1); c.1033dup, p.Cys345fs (NM_001407014.1); c.733dup, p.Cys245fs (NM_001407015.1); short protein forms C199fs, C394fs, C289fs, C345fs, C348fs, C431fs, C350fs, C245fs.
Identifiers: ClinVar variation 4635569 (VCV004635569.1).